The following is an entry in ClinVar:

ClinVar aggregate classification (germline): Uncertain significance. Review status: criteria provided, multiple submitters, no conflicts (2 of 4 stars). 2 submissions from 2 submitters: Uncertain significance (2). Last evaluated 2025-10-13.

Conditions:
Cardiovascular phenotype. Identifiers: MedGen CN230736.
Osteogenesis imperfecta type I (OI1). Also called: Classic Non-deforming Osteogenesis Imperfecta with Blue Sclerae; OI, TYPE I; OSTEOGENESIS IMPERFECTA TARDA; OSTEOGENESIS IMPERFECTA WITH BLUE SCLERAE; Osteogenesis imperfecta type 1; Lobstein's Disease. Identifiers: Orphanet 216796, Orphanet 666, MedGen C0023931, MONDO:0008146, OMIM 166200. Disease mechanism: loss of function.

gnomAD v4.1: 9 of 1,612,566 alleles (0.00056%); highest among the groups gnomAD compares: South Asian, 0.0022%; no homozygotes.

Submissions (2):

Labcorp Genetics (formerly Invitae), Labcorp
Classification: Uncertain significance for Osteogenesis imperfecta type I. Last evaluated: 2025-10-13. Review status: criteria provided, single submitter. Criteria: Invitae Variant Classification Sherloc (09022015). Collection method: clinical testing. Allele origin: germline.
Comment: This sequence change replaces glycine, which is neutral and non-polar, with serine, which is neutral and polar, at codon 1455 of the COL1A1 protein (p.Gly1455Ser). This variant is present in population databases (no rsID available, gnomAD 0.0009%). This missense change has been observed in individual(s) with COL1A1-related conditions (PMID: 25146735, 27748872). ClinVar contains an entry for this variant (Variation ID: 1740034). Invitae Evidence Modeling of protein sequence and biophysical properties (such as structural, functional, and spatial information, amino acid conservation, physicochemical variation, residue mobility, and thermodynamic stability) has been performed for this missense variant. However, the output from this modeling did not meet the statistical confidence thresholds required to predict the impact of this variant on COL1A1 protein function. This variant disrupts the p.Gly1455 amino acid residue in COL1A1. Other variant(s) that disrupt this residue have been determined to be pathogenic (PMID: 27509835, 30715774). This suggests that this residue is clinically significant, and that variants that disrupt this residue are likely to be disease-causing. In summary, the available evidence is currently insufficient to determine the role of this variant in disease. Therefore, it has been classified as a Variant of Uncertain Significance.

Ambry Genetics
Classification: Uncertain significance for Cardiovascular phenotype. Last evaluated: 2019-05-03. Review status: criteria provided, single submitter. Criteria: Ambry Variant Classification Scheme 2023. Collection method: clinical testing. Allele origin: germline.
Comment: The p.G1455S variant (also known as c.4363G>A), located in coding exon 51 of the COL1A1 gene, results from a G to A substitution at nucleotide position 4363. The glycine at codon 1455 is replaced by serine, an amino acid with similar properties. This variant was identified in an individual with Caffey-like disease and no signs of osteogenesis imperfecta (Symoens S et al. Hum. Mutat., 2014 Nov;35:1330-41).This amino acid position is highly conserved in available vertebrate species. In addition, the in silico prediction for this alteration is inconclusive. Based on available evidence to date, the clinical significance of this alteration remains unclear.

Literature cited by the submitters: PubMed 25146735 (cited by Labcorp Genetics (formerly Invitae), Labcorp and Ambry Genetics); PubMed 27748872 (cited by Labcorp Genetics (formerly Invitae), Labcorp); PubMed 27509835 (cited by Labcorp Genetics (formerly Invitae), Labcorp); PubMed 30715774 (cited by Labcorp Genetics (formerly Invitae), Labcorp).

NM_000088.4(COL1A1):c.4363G>A (p.Gly1455Ser)

Gene: COL1A1 (collagen type I alpha 1 chain; minus strand). Cytogenetic location: 17q21.33.
Variant type: single nucleotide variant.
Coding change: c.4363G>A on transcript NM_000088.4 (MANE Select); coding-DNA position 4363, G replaced by A.
Protein change: p.Gly1455Ser; replaces glycine 1455 with serine.
Molecular consequence: missense variant.
Genome position (GRCh38, 1-based): chr17:50,185,534, C>T on the plus strand (G>A on the coding strand, the complement: COL1A1 is on the minus strand). VCF-style: chr17-50185534-C-T. GRCh37 (hg19) VCF-style: chr17-48262895-C-T.
Other names: short protein forms G1455S.
Identifiers: ClinVar variation 1740034 (VCV001740034.5), dbSNP rs961105065, ClinGen allele CA291542760.
Genomic context (GRCh38, chr17:50,185,534, plus strand): 5'-GAGGGAGCCAGGTTGGGATGGAGGGAGTTTACAGGAAGCAGACAGGGCCAACGTCGAAGC[C>T]GAATTCCTGGTCTGGGGCACCAACGTCCAAGGGGGCCACATCGATGATGGGCAGGCGGGA-3'
Protein context (NP_000079.2, residues 1445-1464): LDVGAPDQEF[Gly1455Ser]FDVGPVCFL